The following is an entry in ClinVar:

ClinVar aggregate classification (germline): Pathogenic (1 of 4 stars; one submission).

Conditions:
Mucopolysaccharidosis, MPS-IV-A (MPS4A). Also called: Morquio syndrome A, mild; MORQUIO SYNDROME A; GALACTOSAMINE-6-SULFATASE DEFICIENCY; GALNS DEFICIENCY; MORQUIO A DISEASE; Mucopolysaccharidosis type IV A. Identifiers: Orphanet 309297, Orphanet 582, MedGen C0086651, MONDO:0009659, OMIM 253000.

Submission:

Foundation for Research in Genetics and Endocrinology, FRIGE's Institute of Human Genetics
Classification: Pathogenic for Mucopolysaccharidosis, MPS-IV-A. Last evaluated: 2022-07-30. Review status: criteria provided, single submitter. Criteria: ACMG Guidelines, 2015. Collection method: clinical testing. Allele origin: germline. Inheritance: Autosomal recessive inheritance. Affected: yes. Observed: 1 homozygote.
Comment: A homozygous single base pair deletion in exon 4 of the GALNS gene (chr16:g. 88841040 del; Depth: 121x) that results in a frameshift and premature truncation of the protein 4 amino acids downstream to codon 125 (p.Pro125ArgfsTer4; ENST00000268695.10) was detected (Table). This variant has not been reported in the 1000 genomes and gnomAD databases and has a minor allele frequency of 0.001% in our internal database. The in silico prediction of the variant is damaging MutationTaster2. The reference region is conserved across species.

NM_000512.5(GALNS):c.374del (p.Pro125fs)

Gene: GALNS (galactosamine (N-acetyl)-6-sulfatase; minus strand). Cytogenetic location: 16q24.3.
Variant type: Deletion.
Coding change: c.374del on transcript NM_000512.5 (MANE Select); coding-DNA position 374, one base deleted (C; older notation c.374delC).
Protein change: p.Pro125fs; shifts the reading frame from proline 125.
Molecular consequence: frameshift variant. On other transcripts: 5 prime UTR variant (1).
Genome position (GRCh38, 1-based): chr16:88,841,040, G deleted on the plus strand (C on the coding strand, the reverse complement: GALNS is on the minus strand); the first of 2 consecutive G bases (chr16:88,841,040-88,841,041); deleting either gives the same sequence. VCF-style (leftmost placement, unchanged base first): chr16-88841039-CG-C. GRCh37 (hg19) VCF-style: chr16-88907447-CG-C.
Other names: p. Pro125Argf sTer4; c.-182del (NM_001323543.2); c.392del, p.Pro131fs (NM_001323544.2); short protein forms P125fs, P131fs.
Identifiers: ClinVar variation 1710492 (VCV001710492.3), dbSNP rs2543568206, ClinGen allele CA2580092240.